The following is an entry in ClinVar:

ClinVar aggregate classification (germline): Uncertain significance (1 of 4 stars; one submission).

Conditions:
Hereditary cancer-predisposing syndrome. Also called: Neoplastic Syndromes, Hereditary; Tumor predisposition; Hereditary Cancer Syndrome; Hereditary neoplastic syndrome. Identifiers: Orphanet 140162, MedGen C0027672, MeSH D009386, MONDO:0015356.

Submission:

Ambry Genetics
Classification: Uncertain significance for Hereditary cancer-predisposing syndrome. Last evaluated: 2016-02-12. Review status: criteria provided, single submitter. Criteria: Ambry Autosomal Dominant and X-Linked criteria (10/2015). Collection method: clinical testing. Allele origin: germline. Observed: 1 variant allele.
Comment: The p.E1121A variant (also known as c.3362A>C), located in coding exon 26 of the NF1 gene, results from an A to C substitution at nucleotide position 3362. The glutamic acid at codon 1121 is replaced by alanine, an amino acid with dissimilar properties. This variant was not reported in population based cohorts in the following databases: Database of Single Nucleotide Polymorphisms (dbSNP), NHLBI Exome Sequencing Project (ESP), and 1000 Genomes Project. In the ESP, this variant was not observed in 6503 samples (13006 alleles) with coverage at this position. To date, this alteration has been detected with an allele frequency of approximately 0.001% (greater than 110000alleles tested) in our clinical cohort.This amino acid position is highly conserved in available vertebrate species. In addition, the in silico prediction for this alteration is inconclusive.Since supporting evidence is limited at this time, the clinical significance of this alterationremains unclear.

NM_001042492.3(NF1):c.3362A>C (p.Glu1121Ala)

Gene: NF1 (neurofibromin 1; plus strand). Cytogenetic location: 17q11.2.
Variant type: single nucleotide variant.
Coding change: c.3362A>C on transcript NM_001042492.3 (MANE Select); coding-DNA position 3362, A replaced by C.
Protein change: p.Glu1121Ala; replaces glutamic acid 1121 with alanine.
Molecular consequence: missense variant.
Genome position (GRCh38, 1-based): chr17:31,232,747, A>C. VCF-style: chr17-31232747-A-C. GRCh37 (hg19) VCF-style: chr17-29559765-A-C.
Other names: c.3362A>C, p.Glu1121Ala (NM_000267.4); short protein forms E1121A.
Identifiers: ClinVar variation 481898 (VCV000481898.3), dbSNP rs757222815, ClinGen allele CA398989068.